The following is an entry in ClinVar:

ClinVar aggregate classification (germline): Pathogenic (1 of 4 stars; one submission).

Conditions:
Ataxia-telangiectasia syndrome (AT). Also called: Cerebello-oculocutaneous telangiectasia; Immunodeficiency with ataxia telangiectasia; Ataxia-telangiectasia; AT, COMPLEMENTATION GROUP C; Ataxia telangiectasia (A-T); LOUIS-BAR SYNDROME. Identifiers: Orphanet 100, MedGen C0004135, MONDO:0008840, OMIM 208900.

Submission:

Labcorp Genetics (formerly Invitae), Labcorp
Classification: Pathogenic for Ataxia-telangiectasia syndrome. Last evaluated: 2022-08-16. Review status: criteria provided, single submitter. Criteria: Invitae Variant Classification Sherloc (09022015). Collection method: clinical testing. Allele origin: germline.
Comment: For these reasons, this variant has been classified as Pathogenic. This variant has not been reported in the literature in individuals affected with ATM-related conditions. This variant is a gross deletion of the genomic region encompassing exon(s) 6-39 of the ATM gene. This deletion is out-of-frame, and is expected to create a premature termination codon and result in an absent or disrupted protein product. Loss-of-function variants in ATM are known to be pathogenic (PMID: 23807571, 25614872).

Literature cited by the submitters: PubMed 23807571; PubMed 25614872.

NC_000011.9:g.(?_108114660)_(108181062_?)del

Gene: ATM (ATM serine/threonine kinase; plus strand). Cytogenetic location: 11q22.3.
Variant type: Deletion.
Identifiers: ClinVar variation 2422220 (VCV002422220.3).